The following is an entry in ClinVar:

NM_152722.5(HEPACAM):c.428-8C>T

Gene: HEPACAM (hepatic and glial cell adhesion molecule; minus strand). Cytogenetic location: 11q24.2.
Variant type: single nucleotide variant.
Coding change: c.428-8C>T on transcript NM_152722.5 (MANE Select); 8 bases into the intron before coding-DNA position 428, C replaced by T.
Molecular consequence: intron variant.
Genome position (GRCh38, 1-based): chr11:124,924,018, G>A on the plus strand (C>T on the coding strand, the complement: HEPACAM is on the minus strand). VCF-style: chr11-124924018-G-A. GRCh37 (hg19) VCF-style: chr11-124793914-G-A.
Identifiers: ClinVar variation 733946 (VCV000733946.31), dbSNP rs372037019, ClinGen allele CA6345738.

ClinVar aggregate classification (germline): Conflicting classifications of pathogenicity. Review status: criteria provided, conflicting classifications (1 of 4 stars). 5 submissions from 5 submitters: Uncertain significance (1); Likely benign (3). 1 of the submissions does not count toward it. Last evaluated 2025-04-06.

Conditions:
HEPACAM-related disorder. Also called: HEPACAM-related condition.
Megalencephalic leukoencephalopathy with subcortical cysts. Also called: VAN DER KNAAP DISEASE. Identifiers: Orphanet 2478, MedGen C1858854, MONDO:0011391.

Allele frequency attached by ClinVar (database versions not stated): ESP Exome Variant Server 0.00015; TOPMed 0.00019; gnomAD exomes 0.00020; ExAC 0.00027; gnomAD 0.00029.
gnomAD v4.1: 276 of 1,603,542 alleles (0.017%); highest among the groups gnomAD compares: East Asian, 0.099%; no homozygotes.

Submissions (5):

Labcorp Genetics (formerly Invitae), Labcorp
Classification: Likely benign. Last evaluated: 2025-04-06. Review status: criteria provided, single submitter. Criteria: Invitae Variant Classification Sherloc (09022015). Collection method: clinical testing. Allele origin: germline.

CeGaT Center for Human Genetics Tuebingen
Classification: Likely benign. Last evaluated: 2024-07-01. Review status: criteria provided, single submitter. Criteria: CeGaT Center For Human Genetics Tuebingen Variant Classification Criteria Version 2. Collection method: clinical testing. Allele origin: germline. Affected: yes. Observed: 1 variant allele.
Comment: HEPACAM: BP4

Blueprint Genetics
Classification: Likely benign. Last evaluated: 2024-05-02. Review status: criteria provided, single submitter. Criteria: ACMG Guidelines, 2015. Collection method: clinical testing. Allele origin: germline.

Illumina Laboratory Services, Illumina
Classification: Uncertain significance for Megalencephalic leukoencephalopathy with subcortical cysts. Last evaluated: 2018-01-12. Review status: criteria provided, single submitter. Criteria: ICSL Variant Classification Criteria 13 December 2019. Collection method: clinical testing. Allele origin: germline.

PreventionGenetics, part of Exact Sciences
Classification: Likely benign for HEPACAM-related condition. Last evaluated: 2019-07-19. Review status: no assertion criteria provided. Collection method: clinical testing. Allele origin: germline. Not counted in ClinVar's aggregate classification.
Comment: This variant is classified as likely benign based on ACMG/AMP sequence variant interpretation guidelines (Richards et al. 2015 PMID: 25741868, with internal and published modifications).